The following is an entry in ClinVar:

ClinVar aggregate classification (germline): Uncertain significance. Review status: criteria provided, multiple submitters, no conflicts (2 of 4 stars). 2 submissions from 2 submitters: Uncertain significance (2). Last evaluated 2025-10-29.

Conditions:
Cognitive impairment - coarse facies - heart defects - obesity - pulmonary involvement - short stature - skeletal dysplasia syndrome. Also called: COGNITIVE IMPAIRMENT, COARSE FACIES, HEART DEFECTS, OBESITY, PULMONARY INVOLVEMENT, SHORT STATURE, AND SKELETAL DYSPLASIA; Chops syndrome; AFF4-Related CHOPS Syndrome. Identifiers: Orphanet 444077, MedGen C4085597, MONDO:0014609, OMIM 616368.
AFF4-related disorder. Also called: AFF4-related condition.

Allele frequency attached by ClinVar (database versions not stated): gnomAD 0.00002; gnomAD exomes 0.00002; TOPMed 0.00003.
gnomAD v4.1: 40 of 1,613,982 alleles (0.0025%); highest among the groups gnomAD compares: African/African-American, 0.004%; no homozygotes.

Submissions (2):

PreventionGenetics, part of Exact Sciences
Classification: Uncertain significance for AFF4-related condition. Last evaluated: 2025-10-29. Review status: criteria provided, single submitter. Criteria: ACMG Guidelines, 2015. Collection method: clinical testing. Allele origin: germline.
Comment: The AFF4 c.1708G>T variant is predicted to result in the amino acid substitution p.Ala570Ser. To our knowledge, this variant has not been reported in the literature. This variant is reported in 0.0065% of alleles in individuals of South Asian descent in gnomAD. At this time, the clinical significance of this variant is uncertain due to the absence of conclusive functional and genetic evidence.

Labcorp Genetics (formerly Invitae), Labcorp
Classification: Uncertain significance for Cognitive impairment - coarse facies - heart defects - obesity - pulmonary involvement - short stature - skeletal dysplasia syndrome. Last evaluated: 2025-07-27. Review status: criteria provided, single submitter. Criteria: Invitae Variant Classification Sherloc (09022015). Collection method: clinical testing. Allele origin: germline.
Comment: This sequence change replaces alanine, which is neutral and non-polar, with serine, which is neutral and polar, at codon 570 of the AFF4 protein (p.Ala570Ser). This variant is present in population databases (no rsID available, gnomAD 0.006%). This variant has not been reported in the literature in individuals affected with AFF4-related conditions. ClinVar contains an entry for this variant (Variation ID: 2634832). Invitae Evidence Modeling of protein sequence and biophysical properties (such as structural, functional, and spatial information, amino acid conservation, physicochemical variation, residue mobility, and thermodynamic stability) indicates that this missense variant is not expected to disrupt AFF4 protein function with a negative predictive value of 80%. In summary, the available evidence is currently insufficient to determine the role of this variant in disease. Therefore, it has been classified as a Variant of Uncertain Significance.

NM_014423.4(AFF4):c.1708G>T (p.Ala570Ser)

Gene: AFF4 (ALF transcription elongation factor 4; minus strand). Cytogenetic location: 5q31.1.
Variant type: single nucleotide variant.
Coding change: c.1708G>T on transcript NM_014423.4 (MANE Select); coding-DNA position 1708, G replaced by T.
Protein change: p.Ala570Ser; replaces alanine 570 with serine.
Molecular consequence: missense variant.
Genome position (GRCh38, 1-based): chr5:132,896,922, C>A on the plus strand (G>T on the coding strand, the complement: AFF4 is on the minus strand). VCF-style: chr5-132896922-C-A. GRCh37 (hg19) VCF-style: chr5-132232614-C-A.
Other names: short protein forms A570S.
Identifiers: ClinVar variation 2634832 (VCV002634832.4), dbSNP rs1037906144, ClinGen allele CA127273491.